The following is an entry in ClinVar:

ClinVar aggregate classification (germline): Pathogenic (1 of 4 stars; one submission).

Submission:

Labcorp Genetics (formerly Invitae), Labcorp
Classification: Pathogenic. Last evaluated: 2022-11-01. Review status: criteria provided, single submitter. Criteria: Invitae Variant Classification Sherloc (09022015). Collection method: clinical testing. Allele origin: germline.
Comment: This variant has not been reported in the literature in individuals affected with LZTFL1-related conditions. For these reasons, this variant has been classified as Pathogenic. This variant is not present in population databases (gnomAD no frequency). This sequence change creates a premature translational stop signal (p.Lys187Asnfs*17) in the LZTFL1 gene. It is expected to result in an absent or disrupted protein product. Loss-of-function variants in LZTFL1 are known to be pathogenic (PMID: 22510444, 23692385).

Literature cited by the submitters: PubMed 22510444; PubMed 23692385.

NM_020347.4(LZTFL1):c.561_563delinsTT (p.Lys187fs)

Gene: LZTFL1 (leucine zipper transcription factor like 1; minus strand). Cytogenetic location: 3p21.31.
Variant type: Indel.
Coding change: c.561_563delinsTT on transcript NM_020347.4 (MANE Select); coding-DNA positions 561 to 563, AGC replaced by TT.
Protein change: p.Lys187fs; shifts the reading frame from lysine 187.
Molecular consequence: frameshift variant. On other transcripts: non-coding transcript variant (1).
Genome position (GRCh38, 1-based): chr3:45,830,950-45,830,952, GCT replaced by AA on the plus strand (AGC replaced by TT on the coding strand, the reverse complement: LZTFL1 is on the minus strand). VCF-style: chr3-45830950-GCT-AA. GRCh37 (hg19) VCF-style: chr3-45872442-GCT-AA.
Other names: c.510_512delAGCinsTT, p.Lys170Asnfs (NM_001405926.1, NM_001405927.1, NM_001405928.1 and 2 more transcripts); c.510_512delinsTT, p.Lys170fs (NM_001276378.2, NM_001386451.1); c.549_551delinsTT, p.Lys183fs (NM_001276379.2); c.561_563delinsTT, p.Lys187fs (NM_001386452.1); c.585_587delAGCinsTT, p.Lys195Asnfs (NM_001405920.1, NM_001405925.1); c.549_551delAGCinsTT, p.Lys183Asnfs (NM_001405921.1); c.495_497delAGCinsTT, p.Lys165Asnfs (NM_001405924.1); short protein forms K170fs, K187fs, K183fs.
Identifiers: ClinVar variation 2038470 (VCV002038470.4), dbSNP rs2529763524, ClinGen allele CA2580069866.
Genomic context (GRCh38, chr3:45,830,950, plus strand): 5'-AAGGTAGCTAAAACTTGTTTCACCTTTTGATTTCCTTGATCAAGCTGTAAATCTTGCAGT[GCT>AA]TTTTCTAGTTTTGACTTTTCATCCAGTGCATTTGTAGCCTATAGTGAAGTTTAAACAAAA-3'